The following is an entry in ClinVar:

ClinVar aggregate classification (germline): Conflicting classifications of pathogenicity. Review status: criteria provided, conflicting classifications (1 of 4 stars). 8 submissions from 8 submitters: Uncertain significance (6); Likely benign (1). 1 of the submissions does not count toward it. Last evaluated 2026-02-25.

Conditions:
Inborn genetic diseases. Identifiers: MedGen C0950123, MeSH D030342.
Bilateral frontoparietal polymicrogyria. Also called: CEREBELLAR ATAXIA WITH NEURONAL MIGRATION DEFECT; CORTICAL DYSPLASIA, COMPLEX, WITH OTHER BRAIN MALFORMATIONS 14A (BILATERAL FRONTOPARIETAL). Identifiers: Orphanet 101070, MedGen C1847352, MONDO:0011738, OMIM 606854.

Allele frequency attached by ClinVar (database versions not stated): ESP Exome Variant Server 0.00069; gnomAD 0.00033; TOPMed 0.00039; ExAC 0.00015; gnomAD exomes 0.00017.
gnomAD v4.1: 967 of 1,613,504 alleles (0.06%); highest among the groups gnomAD compares: Non-Finnish European, 0.075%; 1 homozygote.

Submissions (8):

GeneDx
Classification: Uncertain significance. Last evaluated: 2026-02-25. Review status: criteria provided, single submitter. Criteria: GeneDx Variant Classification Process June 2021. Collection method: clinical testing. Allele origin: germline.
Comment: In silico analysis supports that this missense variant has a deleterious effect on protein structure/function; Has not been previously published as pathogenic or benign to our knowledge

Labcorp Genetics (formerly Invitae), Labcorp
Classification: Likely benign. Last evaluated: 2026-02-02. Review status: criteria provided, single submitter. Criteria: Invitae Variant Classification Sherloc (09022015). Collection method: clinical testing. Allele origin: germline.

ARUP Laboratories, Molecular Genetics and Genomics, ARUP Laboratories
Classification: Uncertain significance. Last evaluated: 2024-11-12. Review status: criteria provided, single submitter. Criteria: ARUP Molecular Germline Variant Investigation Process 2024. Collection method: clinical testing. Allele origin: germline.

Ambry Genetics
Classification: Uncertain significance for Inborn genetic diseases. Last evaluated: 2023-11-01. Review status: criteria provided, single submitter. Criteria: Ambry Variant Classification Scheme 2023. Collection method: clinical testing. Allele origin: germline.

Eurofins Ntd Llc (ga)
Classification: Uncertain significance. Last evaluated: 2018-06-13. Review status: criteria provided, single submitter. Criteria: EGL ClinVar v180209 classification definitions. Collection method: clinical testing. Allele origin: germline. Observed: 1 variant allele, 1 heterozygote.

Illumina Laboratory Services, Illumina
Classification: Uncertain significance for Bilateral frontoparietal polymicrogyria. Last evaluated: 2018-03-02. Review status: criteria provided, single submitter. Criteria: ICSL Variant Classification Criteria 13 December 2019. Collection method: clinical testing. Allele origin: germline.

Athena Diagnostics
Classification: Uncertain significance. Last evaluated: 2018-01-25. Review status: criteria provided, single submitter. Criteria: Athena Diagnostics Criteria. Collection method: clinical testing. Allele origin: germline.

Natera, Inc.
Classification: Uncertain significance for Bilateral frontoparietal polymicrogyria. Last evaluated: 2020-01-17. Review status: no assertion criteria provided. Collection method: clinical testing. Allele origin: germline. Not counted in ClinVar's aggregate classification.

NM_201525.4(ADGRG1):c.14C>T (p.Ser5Leu)

Gene: ADGRG1 (adhesion G protein-coupled receptor G1; plus strand). Cytogenetic location: 16q21.
Variant type: single nucleotide variant.
Coding change: c.14C>T on transcript NM_201525.4 (MANE Select); coding-DNA position 14, C replaced by T.
Protein change: p.Ser5Leu; replaces serine 5 with leucine.
Molecular consequence: missense variant. On other transcripts: 5 prime UTR variant (4), intron variant (1).
Genome position (GRCh38, 1-based): chr16:57,650,301, C>T. VCF-style: chr16-57650301-C-T. GRCh37 (hg19) VCF-style: chr16-57684213-C-T.
Other names: c.14C>T, p.Ser5Leu (NM_001145770.3, NM_001145771.3, NM_001145772.3 and 20 more transcripts); c.-469C>T (NM_001290143.2, NM_001290144.2, NM_001370451.1); c.-553C>T (NM_001370453.1); c.-414-946C>T (NM_001370454.1); short protein forms S5L.
Identifiers: ClinVar variation 585948 (VCV000585948.23), dbSNP rs147879224, ClinGen allele CA8078251.